The following is an entry in ClinVar:

ClinVar aggregate classification (germline): Uncertain significance (1 of 4 stars; one submission).

Allele frequency attached by ClinVar (database versions not stated): TOPMed below 0.00001; ExAC 0.00001.
gnomAD v4.1: 33 of 1,614,194 alleles (0.002%); highest among the groups gnomAD compares: Non-Finnish European, 0.0028%; no homozygotes.

Submission:

Labcorp Genetics (formerly Invitae), Labcorp
Classification: Uncertain significance. Last evaluated: 2021-12-28. Review status: criteria provided, single submitter. Criteria: Invitae Variant Classification Sherloc (09022015). Collection method: clinical testing. Allele origin: germline.
Comment: In summary, the available evidence is currently insufficient to determine the role of this variant in disease. Therefore, it has been classified as a Variant of Uncertain Significance. Advanced modeling of protein sequence and biophysical properties (such as structural, functional, and spatial information, amino acid conservation, physicochemical variation, residue mobility, and thermodynamic stability) performed at Invitae indicates that this missense variant is not expected to disrupt TEK protein function. This variant has not been reported in the literature in individuals affected with TEK-related conditions. This variant is present in population databases (rs201171013, gnomAD 0.003%). This sequence change replaces serine, which is neutral and polar, with isoleucine, which is neutral and non-polar, at codon 13 of the TEK protein (p.Ser13Ile).

NM_000459.5(TEK):c.38G>T (p.Ser13Ile)

Gene: TEK (TEK receptor tyrosine kinase; plus strand). Cytogenetic location: 9p21.2.
Variant type: single nucleotide variant.
Coding change: c.38G>T on transcript NM_000459.5 (MANE Select); coding-DNA position 38, G replaced by T.
Protein change: p.Ser13Ile; replaces serine 13 with isoleucine.
Molecular consequence: missense variant.
Genome position (GRCh38, 1-based): chr9:27,109,628, G>T. VCF-style: chr9-27109628-G-T. GRCh37 (hg19) VCF-style: chr9-27109626-G-T.
Other names: c.38G>T, p.Ser13Ile (NM_001290077.2, NM_001290078.2, NM_001375475.1 and 1 more transcripts); short protein forms S13I.
Identifiers: ClinVar variation 1918899 (VCV001918899.5), dbSNP rs201171013, ClinGen allele CA5015812.